The following is an entry in ClinVar:

NM_000492.4(CFTR):c.1211del

Genes: CFTR (CF transmembrane conductance regulator; plus strand), CFTR-AS1 (CFTR antisense RNA 1; minus strand). Cytogenetic location: 7q31.2.
Variant type: Deletion.
Coding change: c.1211del on transcript NM_000492.4 (MANE Select); coding-DNA position 1211, one base deleted (G; older notation c.1211delG).
Molecular consequence: splice acceptor variant.
Genome position (GRCh38, 1-based): chr7:117,548,642, G deleted; the last of 3 consecutive G bases (chr7:117,548,640-117,548,642); deleting any one gives the same sequence. VCF-style (leftmost placement, unchanged base first): chr7-117548639-AG-A. GRCh37 (hg19) VCF-style: chr7-117188693-AG-A.
Other names: c.1211del (NM_000492.3).
Identifiers: ClinVar variation 487376 (VCV000487376.21), dbSNP rs1235397597, ClinGen allele CA577680198.

ClinVar aggregate classification (germline): Pathogenic. Review status: reviewed by expert panel (3 of 4 stars). 10 submissions from 10 submitters: Pathogenic (1). 9 of the submissions do not count toward it. Last evaluated 2017-03-17.

Conditions:
Bronchiectasis with or without elevated sweat chloride 1 (BESC1). Also called: Cystic Fibrosis-Like Syndrome. Identifiers: Orphanet 60033, MedGen C2749757, MONDO:0008887, OMIM 211400.
CFTR-related disorder (CFTR-RD). Also called: CFTR-related disorders; CFTR-related condition. Identifiers: MedGen C5924204, MONDO:7770004.
Cystic fibrosis (CF). Also called: MUCOVISCIDOSIS. Identifiers: Orphanet 586, MedGen C0010674, MONDO:0009061, OMIM 219700. Disease mechanism: loss of function.

Submissions (10):

CFTR2
Classification: Pathogenic for Cystic fibrosis. Last evaluated: 2017-03-17. Review status: reviewed by expert panel. Criteria: Sosnay PR et al. (Nat Genet 2013). Collection method: research. Allele origin: germline. Affected: yes. Study: CFTR2.

Natera, Inc.
Classification: Pathogenic for CFTR-related disorders. Last evaluated: 2025-01-28. Review status: criteria provided, single submitter. Criteria: Natera Variant Classification Schema (03/2026). Collection method: clinical testing. Allele origin: germline. Not counted in ClinVar's aggregate classification.
Comment: The c.1211delG variant in CFTR is a frameshift variant predicted to shift the reading frame beginning at codon 404 and leads to a stop codon 38 codons downstream. This variant is expected to result in nonsense mediated decay, truncation, or a dysfunctional protein product. This variant is rare in the general population with a frequency below the threshold expected for the associated phenotype(s). This variant has been observed in one or more individuals affected with the associated recessive disease, as either homozygous or compound heterozygous with a second variant (PMID: 27214204). Given the available evidence, this variant is classified as Pathogenic.

Women's Health and Genetics/Laboratory Corporation of America, LabCorp
Classification: Pathogenic for Cystic fibrosis. Last evaluated: 2023-08-15. Review status: criteria provided, single submitter. Criteria: LabCorp Variant Classification Summary - May 2015. Collection method: clinical testing. Allele origin: germline. Not counted in ClinVar's aggregate classification.
Comment: Variant summary: CFTR c.1211delG (p.Gly404AspfsX38) results in a premature termination codon, predicted to cause a truncation of the encoded protein or absence of the protein due to nonsense mediated decay, which are commonly known mechanisms for disease. The variant was absent in 246876 control chromosomes. c.1211delG has been reported in the literature in individuals with pancreatic insufficiency (Salinas_2016). To our knowledge, no experimental evidence demonstrating an impact on protein function has been reported. Eight submitters have cited clinical-significance assessments for this variant to ClinVar after 2014. All submitters classified the variant as pathogenic. Based on the evidence outlined above, the variant was classified as pathogenic.

Ambry Genetics
Classification: Pathogenic for Cystic fibrosis. Last evaluated: 2023-06-22. Review status: criteria provided, single submitter. Criteria: Ambry Variant Classification Scheme 2023. Collection method: clinical testing. Allele origin: germline. Not counted in ClinVar's aggregate classification.
Comment: The c.1211delG (also known as 1343delG) pathogenic mutation, located in coding exon 10 of the CFTR gene, results from a deletion of one nucleotide at nucleotide position 1211, causing a translational frameshift with a predicted alternate stop codon (p.G404Dfs*38). This mutation was identified in one pancreatic insufficient individual with elevated sweat chloride in conjunction with p.F508del; however, phase information was not provided (Salinas DB et al. PLoS One, 2016 May;11:e0155624). This variant is considered to be rare based on population cohorts in the Genome Aggregation Database (gnomAD). In addition to the clinical data presented in the literature, this alteration is expected to result in loss of function by premature protein truncation or nonsense-mediated mRNA decay. As such, this alteration is interpreted as a disease-causing mutation.

Baylor Genetics
Classification: Pathogenic for Bronchiectasis with or without elevated sweat chloride 1. Last evaluated: 2023-04-22. Review status: criteria provided, single submitter. Criteria: ACMG Guidelines, 2015. Collection method: clinical testing. Allele origin: unknown. Not counted in ClinVar's aggregate classification.

Johns Hopkins Genomics, Johns Hopkins University
Classification: Pathogenic for Cystic fibrosis. Last evaluated: 2022-09-06. Review status: criteria provided, single submitter. Criteria: ACMG Guidelines, 2015. Collection method: clinical testing. Allele origin: germline. Not counted in ClinVar's aggregate classification.
Comment: Disease-causing CFTR variant. See CFTR2 for phenotype information.

Genome-Nilou Lab
Classification: Pathogenic for Cystic fibrosis. Last evaluated: 2021-07-22. Review status: criteria provided, single submitter. Criteria: ACMG Guidelines, 2015. Collection method: clinical testing. Allele origin: germline. Affected: no. Not counted in ClinVar's aggregate classification.

ARUP Laboratories, Molecular Genetics and Genomics, ARUP Laboratories
Classification: Pathogenic. Last evaluated: 2020-02-21. Review status: criteria provided, single submitter. Criteria: ARUP Molecular Germline Variant Investigation Process. Collection method: clinical testing. Allele origin: germline. Not counted in ClinVar's aggregate classification.
Comment: The CFTR c.1211delG; p.Gly404fs variant (rs1235397597), also published as 1343delG, has been reported in the literature in one individual with CF and an additional pathogenic variant (Salinas 2016). The variant is reported as pathogenic in the ClinVar database (Variation ID: 487376) but is absent from general population databases (Exome Variant Server, Genome Aggregation Database), indicating it is not a common polymorphism. This variant causes a frameshift by deleting a single nucleotide, so it is predicted to result in a truncated protein or mRNA subject to nonsense-mediated decay. Considering available information, this variant is classified as pathogenic. REFERENCE Salinas DB et al. Benign and Deleterious Cystic Fibrosis Transmembrane Conductance Regulator Mutations Identified by Sequencing in Positive Cystic Fibrosis Newborn Screen Children from California. PLoS One. 2016 May 23;11(5):e0155624.

Quest Diagnostics Nichols Institute San Juan Capistrano
Classification: Pathogenic. Last evaluated: 2018-12-24. Review status: criteria provided, single submitter. Criteria: Quest Diagnostics criteria. Collection method: clinical testing. Allele origin: germline. Not counted in ClinVar's aggregate classification.
Comment: The variant results in a shift of the reading frame, and is therefore predicted to result in the loss of a functional protein. Found in at least one symptomatic patient, and not found in general population data.

Mendelics
Classification: Pathogenic for Cystic fibrosis. Last evaluated: 2018-11-05. Review status: criteria provided, single submitter. Criteria: Mendelics Assertion Criteria 2017. Collection method: clinical testing. Allele origin: unknown. Affected: yes. Not counted in ClinVar's aggregate classification.

Literature cited by the submitters: PubMed 27214204 (cited by 4 submitters); PubMed 23974870 (cited by Quest Diagnostics Nichols Institute San Juan Capistrano).